The following is an entry in ClinVar:

NM_007129.5(ZIC2):c.1392_1406del (p.Ala466_Ala470del)

Genes: ZIC2 (Zic family zinc finger 2; plus strand), LOC110008580 (Zic family member 2 polyalanine repeat instability region; plus strand). Cytogenetic location: 13q32.3.
Variant type: Deletion.
Coding change: c.1392_1406del on transcript NM_007129.5 (MANE Select); coding-DNA positions 1392 to 1406, 15 bases deleted (TGCGGCGGCGGCGGC).
Protein change: p.Ala466_Ala470del.
Molecular consequence: inframe deletion.
Genome position (GRCh38, 1-based): chr13:99,985,475-99,985,489, TGCGGCGGCGGCGGC deleted; deleting any 15 consecutive bases within chr13:99,985,461-99,985,489 gives the same sequence; the c. name uses the placement nearest the transcript's 3' end. VCF-style (leftmost placement, unchanged base first): chr13-99985460-AGCGGCGGCGGCGGCT-A. GRCh37 (hg19) VCF-style: chr13-100637714-AGCGGCGGCGGCGGCT-A.
Other names: c.1392_1406del (NM_007129.3); c.1392_1406del15 (NM_007129.3).
Identifiers: ClinVar variation 286609 (VCV000286609.56), dbSNP rs761822481, ClinGen allele CA7032986.

ClinVar aggregate classification (germline): Conflicting classifications of pathogenicity. Review status: criteria provided, conflicting classifications (1 of 4 stars). 6 submissions from 6 submitters: Uncertain significance (4); Likely benign (2). Last evaluated 2026-02-17.

Conditions:
Inborn genetic diseases. Identifiers: MedGen C0950123, MeSH D030342.
Holoprosencephaly 5 (HPE5). Identifiers: Orphanet 2162, MedGen C1864827, MONDO:0012322, OMIM 609637.

Submissions (6):

GeneDx
Classification: Uncertain significance. Last evaluated: 2026-02-17. Review status: criteria provided, single submitter. Criteria: GeneDx Variant Classification Process June 2021. Collection method: clinical testing. Allele origin: germline.
Comment: Identified in a patient with holoprosencephaly in the published literature, however additional clinical information was not provided (PMID: 19177455); In-frame deletion of 5 amino acids in a repetitive region with no known function; This variant is associated with the following publications: (PMID: 32022405, 19177455)

Labcorp Genetics (formerly Invitae), Labcorp
Classification: Uncertain significance for Holoprosencephaly 5. Last evaluated: 2026-01-28. Review status: criteria provided, single submitter. Criteria: Invitae Variant Classification Sherloc (09022015). Collection method: clinical testing. Allele origin: germline.
Comment: This variant, c.1392_1406del, results in the deletion of 5 amino acid(s) of the ZIC2 protein (p.Ala466_Ala470del), but otherwise preserves the integrity of the reading frame. The frequency data for this variant in the population databases is considered unreliable, as metrics indicate poor data quality at this position in the gnomAD database. This variant has been observed in individuals with holoprosencephaly (PMID: 19177455, 32022405). This variant is also known as c.1366_1380del. ClinVar contains an entry for this variant (Variation ID: 286609). Experimental studies and prediction algorithms are not available or were not evaluated, and the functional significance of this variant is currently unknown. In summary, the available evidence is currently insufficient to determine the role of this variant in disease. Therefore, it has been classified as a Variant of Uncertain Significance.

CeGaT Center for Human Genetics Tuebingen
Classification: Likely benign. Last evaluated: 2023-11-01. Review status: criteria provided, single submitter. Criteria: CeGaT Center For Human Genetics Tuebingen Variant Classification Criteria Version 2. Collection method: clinical testing. Allele origin: germline. Affected: yes. Observed: 3 variant alleles.
Comment: ZIC2: BP3, BS1

Ambry Genetics
Classification: Likely benign for Inborn genetic diseases. Last evaluated: 2022-05-18. Review status: criteria provided, single submitter. Criteria: Ambry Variant Classification Scheme 2023. Collection method: clinical testing. Allele origin: germline.

Fulgent Genetics
Classification: Uncertain significance for Holoprosencephaly 5. Last evaluated: 2022-03-08. Review status: criteria provided, single submitter. Criteria: ACMG Guidelines, 2015. Collection method: clinical testing. Allele origin: unknown.

Eurofins Ntd Llc (ga)
Classification: Uncertain significance. Last evaluated: 2016-04-04. Review status: criteria provided, single submitter. Criteria: EGL Classification Definitions 2015. Collection method: clinical testing. Allele origin: germline. Observed: 1 variant allele.

Literature cited by the submitters: PubMed 19177455 (cited by Labcorp Genetics (formerly Invitae), Labcorp and Eurofins Ntd Llc (ga)); PubMed 32022405 (cited by Labcorp Genetics (formerly Invitae), Labcorp).